The following is an entry in ClinVar:

ClinVar aggregate classification (germline): Likely benign. Review status: criteria provided, multiple submitters, no conflicts (2 of 4 stars). 2 submissions from 2 submitters: Likely benign (2). Last evaluated 2025-08-01.

Conditions:
Glanzmann thrombasthenia. Also called: BLEEDING DISORDER, PLATELET-TYPE, 2; THROMBASTHENIA OF GLANZMANN AND NAEGELI; Glanzmann's thrombasthenia; PLATELET GLYCOPROTEIN IIb-IIIa DEFICIENCY; Thrombasthenia. Identifiers: Orphanet 849, MedGen C0040015, MONDO:0100326.

Submissions (2):

Mayo Clinic Laboratories, Mayo Clinic
Classification: Likely benign. Last evaluated: 2025-08-01. Review status: criteria provided, single submitter. Criteria: ACMG Guidelines, 2015. Collection method: clinical testing. Allele origin: germline. Observed: 1 variant allele.
Comment: BP4, BP7, PM2_supporting

Labcorp Genetics (formerly Invitae), Labcorp
Classification: Likely benign for Glanzmann thrombasthenia. Last evaluated: 2022-10-26. Review status: criteria provided, single submitter. Criteria: Invitae Variant Classification Sherloc (09022015). Collection method: clinical testing. Allele origin: germline.

NM_000419.5(ITGA2B):c.2520C>T (p.Pro840=)

Gene: ITGA2B (integrin subunit alpha 2b; minus strand). Cytogenetic location: 17q21.31.
Variant type: single nucleotide variant.
Coding change: c.2520C>T on transcript NM_000419.5 (MANE Select); coding-DNA position 2520, C replaced by T.
Protein change: p.Pro840=; no amino-acid change (proline 840 retained).
Molecular consequence: synonymous variant.
Genome position (GRCh38, 1-based): chr17:44,375,914, G>A on the plus strand (C>T on the coding strand, the complement: ITGA2B is on the minus strand). VCF-style: chr17-44375914-G-A. GRCh37 (hg19) VCF-style: chr17-42453282-G-A.
Other names: p.Pro840=.
Identifiers: ClinVar variation 2983979 (VCV002983979.4), dbSNP rs2510074658, ClinGen allele CA500623828.